The following is an entry in ClinVar:

NM_025216.3(WNT10A):c.390C>A (p.Ser130Arg)

Gene: WNT10A (Wnt family member 10A; plus strand). Cytogenetic location: 2q35.
Variant type: single nucleotide variant.
Coding change: c.390C>A on transcript NM_025216.3 (MANE Select); coding-DNA position 390, C replaced by A.
Protein change: p.Ser130Arg; replaces serine 130 with arginine.
Molecular consequence: missense variant.
Genome position (GRCh38, 1-based): chr2:218,889,997, C>A. VCF-style: chr2-218889997-C-A. GRCh37 (hg19) VCF-style: chr2-219754719-C-A.
Other names: short protein forms S130R.
Identifiers: ClinVar variation 4783093 (VCV004783093.1).

ClinVar aggregate classification (germline): Uncertain significance (1 of 4 stars; one submission).

Conditions:
Tooth agenesis, selective, 4 (STHAG4). Also called: LATERAL INCISORS, ABSENCE OF; LATERAL INCISORS, PEGGED OR MISSING; SUCCEDANEOUS TEETH, AGENESIS OF; TOOTH AGENESIS, SELECTIVE, 4, WITH OR WITHOUT ECTODERMAL DYSPLASIA. Identifiers: Orphanet 99798, MedGen C1835492, MONDO:0007881, OMIM 150400. Disease mechanism: loss of function.
Odonto-onycho-dermal dysplasia. Identifiers: Orphanet 2721, MedGen C0796093, MONDO:0009773, OMIM 257980.

Submission:

Labcorp Genetics (formerly Invitae), Labcorp
Classification: Uncertain significance for Tooth agenesis, selective, 4; Odonto-onycho-dermal dysplasia. Last evaluated: 2025-07-09. Review status: criteria provided, single submitter. Criteria: Invitae Variant Classification Sherloc (09022015). Collection method: clinical testing. Allele origin: germline.
Comment: This sequence change replaces serine, which is neutral and polar, with arginine, which is basic and polar, at codon 130 of the WNT10A protein (p.Ser130Arg). This variant is not present in population databases (gnomAD no frequency). This variant has not been reported in the literature in individuals affected with WNT10A-related conditions. Invitae Evidence Modeling of protein sequence and biophysical properties (such as structural, functional, and spatial information, amino acid conservation, physicochemical variation, residue mobility, and thermodynamic stability) has been performed for this missense variant. However, the output from this modeling did not meet the statistical confidence thresholds required to predict the impact of this variant on WNT10A protein function. In summary, the available evidence is currently insufficient to determine the role of this variant in disease. Therefore, it has been classified as a Variant of Uncertain Significance.